The following is an entry in ClinVar:

ClinVar aggregate classification (germline): Benign/Likely benign. Review status: criteria provided, multiple submitters, no conflicts (2 of 4 stars). 5 submissions from 5 submitters: Benign (2); Likely benign (2). 1 of the submissions does not count toward it. Last evaluated 2025-08-02.

Conditions:
FGFR3-related disorder. Also called: FGFR3-related disorders.

Allele frequency attached by ClinVar (database versions not stated): gnomAD 0.00052 and 0.00048; gnomAD exomes 0.00015; 1000 Genomes Project 30x 0.00016; ESP Exome Variant Server 0.00069; ExAC 0.00018; 1000 Genomes Project 0.00020; TOPMed 0.00058.

Submissions (5):

Labcorp Genetics (formerly Invitae), Labcorp
Classification: Benign. Last evaluated: 2025-08-02. Review status: criteria provided, single submitter. Criteria: Invitae Variant Classification Sherloc (09022015). Collection method: clinical testing. Allele origin: germline.

ARUP Laboratories, Molecular Genetics and Genomics, ARUP Laboratories
Classification: Benign. Last evaluated: 2023-11-03. Review status: criteria provided, single submitter. Criteria: ARUP Molecular Germline Variant Investigation Process 2024. Collection method: clinical testing. Allele origin: germline.

GeneDx
Classification: Likely benign. Last evaluated: 2021-03-02. Review status: criteria provided, single submitter. Criteria: GeneDx Variant Classification Process June 2021. Collection method: clinical testing. Allele origin: germline. Affected: yes.

Breakthrough Genomics
Classification: Likely benign. Review status: criteria provided, single submitter. Criteria: ACMG Guidelines, 2015. Collection method: not provided. Allele origin: germline. Inheritance: Autosomal dominant inheritance. Affected: yes.

PreventionGenetics, part of Exact Sciences
Classification: Likely benign for FGFR3-related condition. Last evaluated: 2020-02-19. Review status: no assertion criteria provided. Collection method: clinical testing. Allele origin: germline. Not counted in ClinVar's aggregate classification.
Comment: This variant is classified as likely benign based on ACMG/AMP sequence variant interpretation guidelines (Richards et al. 2015 PMID: 25741868, with internal and published modifications).

NM_000142.5(FGFR3):c.2088C>T (p.Pro696=)

Gene: FGFR3 (fibroblast growth factor receptor 3; plus strand). Cytogenetic location: 4p16.3.
Variant type: single nucleotide variant.
Coding change: c.2088C>T on transcript NM_000142.5 (MANE Select); coding-DNA position 2088, C replaced by T.
Protein change: p.Pro696=; no amino-acid change (proline 696 retained).
Molecular consequence: synonymous variant. On other transcripts: missense variant (1), non-coding transcript variant (1).
Genome position (GRCh38, 1-based): chr4:1,806,603, C>T. VCF-style: chr4-1806603-C-T. GRCh37 (hg19) VCF-style: chr4-1808330-C-T.
Other names: c.2094C>T, p.Pro698= (NM_001163213.2); c.2091C>T, p.Pro697= (NM_001354809.2); c.2020C>T, p.Arg674Trp (NM_001354810.2); c.1752C>T, p.Pro584= (NM_022965.4); c.2020C>T (NM_001354810.1); short protein forms R674W.
Identifiers: ClinVar variation 515197 (VCV000515197.23), dbSNP rs142884145, ClinGen allele CA2810719.